The following is an entry in ClinVar:

ClinVar aggregate classification (germline): Uncertain significance (1 of 4 stars; one submission).

gnomAD v4.1: 1 of 1,551,664 alleles (0.000064%); highest among the groups gnomAD compares: Admixed American, 0.002%; no homozygotes.

Submission:

Labcorp Genetics (formerly Invitae), Labcorp
Classification: Uncertain significance. Last evaluated: 2021-04-28. Review status: criteria provided, single submitter. Criteria: Invitae Variant Classification Sherloc (09022015). Collection method: clinical testing. Allele origin: germline.
Comment: In summary, the available evidence is currently insufficient to determine the role of this variant in disease. Therefore, it has been classified as a Variant of Uncertain Significance. This variant has not been reported in the literature in individuals with KPNA7-related conditions. This variant is not present in population databases (ExAC no frequency). This sequence change creates a premature translational stop signal (p.Cys235*) in the KPNA7 gene. It is expected to result in an absent or disrupted protein product. However, the current clinical and genetic evidence is not sufficient to establish whether loss-of-function variants in KPNA7 cause disease.

NM_001145715.3(KPNA7):c.705C>A (p.Cys235Ter)

Gene: KPNA7 (karyopherin subunit alpha 7; minus strand). Cytogenetic location: 7q22.1.
Variant type: single nucleotide variant.
Coding change: c.705C>A on transcript NM_001145715.3 (MANE Select); coding-DNA position 705, C replaced by A.
Protein change: p.Cys235Ter; replaces cysteine 235 with a stop codon.
Molecular consequence: nonsense.
Genome position (GRCh38, 1-based): chr7:99,188,495, G>T on the plus strand (C>A on the coding strand, the complement: KPNA7 is on the minus strand). VCF-style: chr7-99188495-G-T. GRCh37 (hg19) VCF-style: chr7-98786118-G-T.
Other names: short protein forms C235*.
Identifiers: ClinVar variation 1397447 (VCV001397447.4), dbSNP rs577711835, ClinGen allele CA368419969.